The following is an entry in ClinVar:

ClinVar aggregate classification (germline): Pathogenic (1 of 4 stars; one submission).

Conditions:
Inborn genetic diseases. Identifiers: MedGen C0950123, MeSH D030342.

Submission:

Ambry Genetics
Classification: Pathogenic for Inborn genetic diseases. Last evaluated: 2025-05-20. Review status: criteria provided, single submitter. Criteria: Ambry Variant Classification Scheme 2023. Collection method: clinical testing. Allele origin: germline.
Comment: The c.386C>A (p.S129*) alteration, located in exon 1 (coding exon 1) of the SOX11 gene, consists of a C to A substitution at nucleotide position 386. This changes the amino acid from a serine (S) to a stop codon at amino acid position 129. Premature stop codons are typically deleterious in nature; however, because SOX11 is a single-exon gene this alteration is not expected to trigger nonsense-mediated mRNA decay and a(n) altered/truncated protein could still be expressed (Maquat, 2004). This alteration impacts the last 312 amino acids of the protein and, while the exact functional impact of these amino acids is unknown, a significant portion of the protein is affected (Ambry internal data). This variant was not reported in population-based cohorts in the Genome Aggregation Database (gnomAD). Based on the available evidence, this alteration is classified as pathogenic.

NM_003108.4(SOX11):c.386C>A (p.Ser129Ter)

Gene: SOX11 (SRY-box transcription factor 11; plus strand). Cytogenetic location: 2p25.2.
Variant type: single nucleotide variant.
Coding change: c.386C>A on transcript NM_003108.4 (MANE Select); coding-DNA position 386, C replaced by A.
Protein change: p.Ser129Ter; replaces serine 129 with a stop codon.
Molecular consequence: nonsense.
Genome position (GRCh38, 1-based): chr2:5,693,107, C>A. VCF-style: chr2-5693107-C-A. GRCh37 (hg19) VCF-style: chr2-5833239-C-A.
Other names: short protein forms S129*.
Identifiers: ClinVar variation 3959939 (VCV003959939.1).
Genomic context (GRCh38, chr2:5,693,107, plus strand): 5'-ACATGGCCGACTACCCCGACTACAAGTACCGGCCCCGGAAAAAGCCCAAAATGGACCCCT[C>A]GGCCAAGCCCAGCGCCAGCCAGAGCCCAGAGAAGAGCGCGGCCGGCGGCGGCGGCGGGAG-3'